The following is an entry in ClinVar:

ClinVar aggregate classification (germline): Likely benign. Review status: criteria provided, multiple submitters, no conflicts (2 of 4 stars). 3 submissions from 3 submitters: Likely benign (3). Last evaluated 2026-02-14.

Conditions:
Cardiovascular phenotype. Identifiers: MedGen CN230736.
Arrhythmogenic cardiomyopathy with wooly hair and keratoderma. Also called: PALMOPLANTAR KERATODERMA WITH LEFT VENTRICULAR CARDIOMYOPATHY AND WOOLLY HAIR; Carvajal syndrome; Dilated cardiomyopathy with woolly hair and keratoderma; Arrhythmogenic cardiomyopathy with woolly hair and keratoderma. Identifiers: Orphanet 65282, MedGen C1854063, MONDO:0011581, OMIM 605676.
Arrhythmogenic right ventricular dysplasia 8 (ARVD8). Also called: Arrhythmogenic Right Ventricular Dysplasia/Cardiomyopathy 8; ARRHYTHMOGENIC RIGHT VENTRICULAR DYSPLASIA, FAMILIAL, 8; ARRHYTHMOGENIC RIGHT VENTRICULAR CARDIOMYOPATHY 8. Identifiers: MedGen C1843896, MONDO:0011831, OMIM 607450.

Allele frequency attached by ClinVar (database versions not stated): TOPMed 0.00001.
gnomAD v4.1: 13 of 1,614,070 alleles (0.00081%); highest among the groups gnomAD compares: Non-Finnish European, 0.0011%; no homozygotes.

Submissions (3):

Ambry Genetics
Classification: Likely benign for Cardiovascular phenotype. Last evaluated: 2026-02-14. Review status: criteria provided, single submitter. Criteria: Ambry Variant Classification Scheme 2023. Collection method: clinical testing. Allele origin: germline.

All of Us Research Program, National Institutes of Health
Classification: Likely benign for Arrhythmogenic cardiomyopathy with wooly hair and keratoderma. Last evaluated: 2024-07-20. Review status: criteria provided, single submitter. Criteria: ACMG Guidelines, 2015. Collection method: clinical testing. Allele origin: germline. Inheritance: Autosomal dominant inheritance. Observed: 1 variant allele, 1 heterozygote.
Comment: This study involves interpretation of variants in research participants for the purpose of population health screening. Participant phenotype was not available at the time of variant classification. Additional details can be found in publication PMID: 35346344, PMCID: PMC8962531

Labcorp Genetics (formerly Invitae), Labcorp
Classification: Likely benign for Arrhythmogenic cardiomyopathy with wooly hair and keratoderma; Arrhythmogenic right ventricular dysplasia 8. Last evaluated: 2024-05-28. Review status: criteria provided, single submitter. Criteria: Invitae Variant Classification Sherloc (09022015). Collection method: clinical testing. Allele origin: germline.

NM_004415.4(DSP):c.8241C>T (p.Thr2747=)

Gene: DSP (desmoplakin; plus strand). Cytogenetic location: 6p24.3.
Variant type: single nucleotide variant.
Coding change: c.8241C>T on transcript NM_004415.4 (MANE Select); coding-DNA position 8241, C replaced by T.
Protein change: p.Thr2747=; no amino-acid change (threonine 2747 retained).
Molecular consequence: synonymous variant.
Genome position (GRCh38, 1-based): chr6:7,585,503, C>T. VCF-style: chr6-7585503-C-T. GRCh37 (hg19) VCF-style: chr6-7585736-C-T.
Other names: c.6444C>T, p.Thr2148= (NM_001008844.3); c.6912C>T, p.Thr2304= (NM_001319034.2).
Identifiers: ClinVar variation 2922866 (VCV002922866.5), dbSNP rs748231845, ClinGen allele CA448716750.